The following is an entry in ClinVar:

NM_006231.4(POLE):c.3768G>A (p.Gly1256=)

Gene: POLE (DNA polymerase epsilon, catalytic subunit; minus strand). Cytogenetic location: 12q24.33.
Variant type: single nucleotide variant.
Coding change: c.3768G>A on transcript NM_006231.4 (MANE Select); coding-DNA position 3768, G replaced by A.
Protein change: p.Gly1256=; no amino-acid change (glycine 1256 retained).
Molecular consequence: synonymous variant.
Genome position (GRCh38, 1-based): chr12:132,649,704, C>T on the plus strand (G>A on the coding strand, the complement: POLE is on the minus strand). VCF-style: chr12-132649704-C-T. GRCh37 (hg19) VCF-style: chr12-133226290-C-T.
Other names: c.3768G>A (NM_006231.2).
Identifiers: ClinVar variation 473621 (VCV000473621.40), dbSNP rs776702809, ClinGen allele CA6893118.
Genomic context (GRCh38, chr12:132,649,704, plus strand): 5'-AGAGACAGACAGTATCACAGCTGTGTGCCTTACCTGGCTGGTTCCCAGGGCGGGAGGCTG[C>T]CCCAAGATTTCCTGCCAGGGCACAGTCGGCGTGAGGTCCTGGGACTCCTCCTGGCTCTCC-3'
Protein context (NP_006222.2, residues 1246-1266): TPTVPWQEIL[Gly1256=]QPPALGTSQE

ClinVar aggregate classification (germline): Likely benign. Review status: criteria provided, multiple submitters, no conflicts (2 of 4 stars). 4 submissions from 4 submitters: Likely benign (4). Last evaluated 2025-10-01.

Conditions:
Hereditary cancer-predisposing syndrome. Also called: Hereditary neoplastic syndrome; Tumor predisposition; Neoplastic Syndromes, Hereditary; Hereditary Cancer Syndrome. Identifiers: Orphanet 140162, MedGen C0027672, MeSH D009386, MONDO:0015356.

Allele frequency attached by ClinVar (database versions not stated): ExAC 0.00001; gnomAD exomes 0.00001.
gnomAD v4.1: 10 of 1,614,098 alleles (0.00062%); highest among the groups gnomAD compares: Non-Finnish European, 0.00085%; no homozygotes.

Submissions (4):

Labcorp Genetics (formerly Invitae), Labcorp
Classification: Likely benign. Last evaluated: 2025-10-01. Review status: criteria provided, single submitter. Criteria: Invitae Variant Classification Sherloc (09022015). Collection method: clinical testing. Allele origin: germline.

CeGaT Center for Human Genetics Tuebingen
Classification: Likely benign. Last evaluated: 2022-09-01. Review status: criteria provided, single submitter. Criteria: CeGaT Center For Human Genetics Tuebingen Variant Classification Criteria Version 2. Collection method: clinical testing. Allele origin: germline. Affected: yes. Observed: 1 variant allele.
Comment: POLE: BP4, BP7

GeneDx
Classification: Likely benign. Last evaluated: 2019-04-24. Review status: criteria provided, single submitter. Criteria: GeneDx Variant Classification Process June 2021. Collection method: clinical testing. Allele origin: germline. Affected: yes.

Ambry Genetics
Classification: Likely benign for Hereditary cancer-predisposing syndrome. Last evaluated: 2018-03-07. Review status: criteria provided, single submitter. Criteria: Ambry Variant Classification Scheme 2023. Collection method: clinical testing. Allele origin: germline.